The following is an entry in ClinVar:

ClinVar aggregate classification (germline): Uncertain significance (1 of 4 stars; one submission).

Submission:

GeneDx
Classification: Uncertain significance. Last evaluated: 2022-08-11. Review status: criteria provided, single submitter. Criteria: GeneDx Variant Classification Process June 2021. Collection method: clinical testing. Allele origin: germline. Affected: yes.
Comment: Not observed at significant frequency in large population cohorts (gnomAD); In silico analysis supports that this missense variant has a deleterious effect on protein structure/function; Has not been previously published as pathogenic or benign to our knowledge

NM_001080508.3(TBX18):c.788T>C (p.Met263Thr)

Gene: TBX18 (T-box transcription factor 18; minus strand). Cytogenetic location: 6q14.3.
Variant type: single nucleotide variant.
Coding change: c.788T>C on transcript NM_001080508.3 (MANE Select); coding-DNA position 788, T replaced by C.
Protein change: p.Met263Thr; replaces methionine 263 with threonine.
Molecular consequence: missense variant.
Genome position (GRCh38, 1-based): chr6:84,748,071, A>G on the plus strand (T>C on the coding strand, the complement: TBX18 is on the minus strand). VCF-style: chr6-84748071-A-G. GRCh37 (hg19) VCF-style: chr6-85457789-A-G.
Other names: short protein forms M263T.
Identifiers: ClinVar variation 2429545 (VCV002429545.1), dbSNP rs2481851501, ClinGen allele CA364898333.